The following is an entry in ClinVar:

ClinVar aggregate classification (germline): Benign/Likely benign. Review status: criteria provided, multiple submitters, no conflicts (2 of 4 stars). 6 submissions from 6 submitters: Benign (3); Likely benign (3). Last evaluated 2026-01-25.

Conditions:
Familial hemophagocytic lymphohistiocytosis 5. Also called: STXBP2-Related Familial Hemophagocytic Lymphohistiocytosis (STXBP2-fHLH). Identifiers: Orphanet 540, MedGen C2751293, MONDO:0013135, OMIM 613101.

Allele frequency attached by ClinVar (database versions not stated): gnomAD exomes 0.00022 and 0.00115; ExAC 0.00025; gnomAD 0.00031 and 0.00040; TOPMed 0.00049; 1000 Genomes Project 0.00260; 1000 Genomes Project 30x 0.00265.
gnomAD v4.1: 362 of 1,551,858 alleles (0.023%); highest among the groups gnomAD compares: East Asian, 0.81%; 1 homozygote.

Submissions (6):

Labcorp Genetics (formerly Invitae), Labcorp
Classification: Benign for Familial hemophagocytic lymphohistiocytosis 5. Last evaluated: 2026-01-25. Review status: criteria provided, single submitter. Criteria: Invitae Variant Classification Sherloc (09022015). Collection method: clinical testing. Allele origin: germline.

Mayo Clinic Laboratories, Mayo Clinic
Classification: Likely benign. Last evaluated: 2025-01-14. Review status: criteria provided, single submitter. Criteria: ACMG Guidelines, 2015. Collection method: clinical testing. Allele origin: germline. Observed: 1 variant allele.
Comment: BS1, BP4_moderate

Blueprint Genetics
Classification: Likely benign. Last evaluated: 2024-10-28. Review status: criteria provided, single submitter. Criteria: ACMG Guidelines, 2015. Collection method: clinical testing. Allele origin: germline.

Women's Health and Genetics/Laboratory Corporation of America, LabCorp
Classification: Benign. Last evaluated: 2023-07-28. Review status: criteria provided, single submitter. Criteria: LabCorp Variant Classification Summary - May 2015. Collection method: clinical testing. Allele origin: germline.
Comment: Variant summary: STXBP2 c.497C>T (p.Thr166Met) results in a non-conservative amino acid change in the encoded protein sequence. Four of five in-silico tools predict a benign effect of the variant on protein function. The variant allele was found at a frequency of 0.0011 in 157034 control chromosomes, predominantly at a frequency of 0.016 within the East Asian subpopulation in the gnomAD database, including 1 homozygote. The observed variant frequency within East Asian control individuals in the gnomAD database is approximately 7-fold of the estimated maximal expected allele frequency for a pathogenic variant in STXBP2 causing Familial Hemophagocytic Lymphohistiocytosis phenotype (0.0022), strongly suggesting that the variant is a benign polymorphism found primarily in populations of East Asian origin. c.497C>T has been reported in the literature in East Asian individuals affected with Familial Hemophagocytic Lymphohistiocytosis (e.g. Chen_2016, Miao_2019, Zhang_2019, Zhang_2020, Xu_2022), however most reported individuals carried the variant in monoallelic form, and some authors also noted that the frequency of the variant was similar to that found in ethinically matched controls (e.g. Miao_2019). These reports do not provide unequivocal conclusions about association of the variant with Familial Hemophagocytic Lymphohistiocytosis. To our knowledge, no experimental evidence demonstrating an impact on protein function has been reported. The following publications have been ascertained in the context of this evaluation (PMID: 27209435, 30899265, 31388699, 32375849, 35296096). Three submitters have cited clinical-significance assessments for this variant to ClinVar after 2014. All submitters classified the variant as benign/likely benign. Based on the evidence outlined above, the variant was classified as benign.

Illumina Laboratory Services, Illumina
Classification: Benign for Familial hemophagocytic lymphohistiocytosis 5. Last evaluated: 2017-04-27. Review status: criteria provided, single submitter. Criteria: ICSL Variant Classification Criteria 13 December 2019. Collection method: clinical testing. Allele origin: germline.
Comment: This variant was observed as part of a predisposition screen in an ostensibly healthy population. A literature search was performed for the gene, cDNA change, and amino acid change (where applicable). Publications were found based on this search. The evidence from the literature, in combination with allele frequency data from public databases where available, was sufficient to rule this variant out of causing disease. Therefore, this variant is classified as benign.

Genetic Services Laboratory, University of Chicago
Classification: Likely benign. Last evaluated: 2015-11-12. Review status: criteria provided, single submitter. Criteria: ACMG Guidelines, 2015. Collection method: clinical testing. Allele origin: germline. Affected: no.

Literature cited by the submitters: PubMed 27209435 (cited by Women's Health and Genetics/Laboratory Corporation of America, LabCorp and Illumina Laboratory Services, Illumina); PubMed 30899265 (cited by Women's Health and Genetics/Laboratory Corporation of America, LabCorp); PubMed 31388699 (cited by Women's Health and Genetics/Laboratory Corporation of America, LabCorp); PubMed 32375849 (cited by Women's Health and Genetics/Laboratory Corporation of America, LabCorp); PubMed 35296096 (cited by Women's Health and Genetics/Laboratory Corporation of America, LabCorp).

NM_006949.4(STXBP2):c.497C>T (p.Thr166Met)

Gene: STXBP2 (syntaxin binding protein 2; plus strand). Cytogenetic location: 19p13.2.
Variant type: single nucleotide variant.
Coding change: c.497C>T on transcript NM_006949.4 (MANE Select); coding-DNA position 497, C replaced by T.
Protein change: p.Thr166Met; replaces threonine 166 with methionine.
Molecular consequence: missense variant. On other transcripts: non-coding transcript variant (1).
Genome position (GRCh38, 1-based): chr19:7,641,772, C>T. VCF-style: chr19-7641772-C-T. GRCh37 (hg19) VCF-style: chr19-7706658-C-T.
Other names: p.Thr166Met; c.488C>T, p.Thr163Met (NM_001127396.3); c.530C>T, p.Thr177Met (NM_001272034.2); short protein forms T166M, T163M, T177M.
Identifiers: ClinVar variation 436896 (VCV000436896.24), dbSNP rs181216956, ClinGen allele CA9143673.